The following is an entry in ClinVar:

NM_000059.4(BRCA2):c.2916del (p.Lys972fs)

Gene: BRCA2 (BRCA2 DNA repair associated; plus strand). Cytogenetic location: 13q13.1.
Variant type: Deletion.
Coding change: c.2916del on transcript NM_000059.4 (MANE Select); coding-DNA position 2916, one base deleted (A; older notation c.2916delA).
Protein change: p.Lys972fs; shifts the reading frame from lysine 972.
Molecular consequence: frameshift variant. On other transcripts: non-coding transcript variant (1), intron variant (2).
Genome position (GRCh38, 1-based): chr13:32,337,271, A deleted; the last of 4 consecutive A bases (chr13:32,337,268-32,337,271); deleting any one gives the same sequence. VCF-style (leftmost placement, unchanged base first): chr13-32337267-TA-T. GRCh37 (hg19) VCF-style: chr13-32911404-TA-T.
Other names: c.2916del, p.Lys972fs (NM_001406719.1, NM_001406720.1, NM_001432077.1); c.1909+3884del (NM_001406721.1); c.424+6241del (NM_001406722.1); short protein forms K972fs.
Identifiers: ClinVar variation 3825416 (VCV003825416.1).

ClinVar aggregate classification (germline): Pathogenic (1 of 4 stars; one submission).

Conditions:
Hereditary cancer-predisposing syndrome. Also called: Hereditary neoplastic syndrome; Neoplastic Syndromes, Hereditary; Tumor predisposition; Hereditary Cancer Syndrome. Identifiers: Orphanet 140162, MedGen C0027672, MeSH D009386, MONDO:0015356.

Submission:

Ambry Genetics
Classification: Pathogenic for Hereditary cancer-predisposing syndrome. Last evaluated: 2025-01-13. Review status: criteria provided, single submitter. Criteria: Ambry Variant Classification Scheme 2023. Collection method: clinical testing. Allele origin: germline.
Comment: The c.2916delA pathogenic mutation, located in coding exon 10 of the BRCA2 gene, results from a deletion of one nucleotide at nucleotide position 2916, causing a translational frameshift with a predicted alternate stop codon (p.K972Nfs*6). This alteration is expected to result in loss of function by premature protein truncation or nonsense-mediated mRNA decay. This variant is considered to be rare based on population cohorts in the Genome Aggregation Database (gnomAD). As such, this alteration is interpreted as a disease-causing mutation.